The following is an entry in ClinVar:

ClinVar aggregate classification (germline): Conflicting classifications of pathogenicity. Review status: criteria provided, conflicting classifications (1 of 4 stars). 2 submissions from 2 submitters: Uncertain significance (1); Likely benign (1). Last evaluated 2025-08-27.

Conditions:
Desbuquois dysplasia 1 (DBQD1). Also called: MICROMELIC DWARFISM WITH VERTEBRAL AND METAPHYSEAL ABNORMALITIES AND ADVANCED CARPOTARSAL OSSIFICATION; DESBUQUOIS DYSPLASIA 1, KIM VARIANT. Identifiers: Orphanet 1425, MedGen C4012146, MONDO:0009629, OMIM 251450.
Inborn genetic diseases. Identifiers: MedGen C0950123, MeSH D030342.

Allele frequency attached by ClinVar (database versions not stated): gnomAD 0.00007 and 0.00008; ExAC 0.00008; gnomAD exomes 0.00013; TOPMed 0.00014; ESP Exome Variant Server 0.00023.
gnomAD v4.1: 100 of 1,612,956 alleles (0.0062%); highest among the groups gnomAD compares: Admixed American, 0.032%; no homozygotes.

Submissions (2):

Ambry Genetics
Classification: Likely benign for Inborn genetic diseases. Last evaluated: 2025-08-27. Review status: criteria provided, single submitter. Criteria: Ambry Variant Classification Scheme 2023. Collection method: clinical testing. Allele origin: germline.

Labcorp Genetics (formerly Invitae), Labcorp
Classification: Uncertain significance for Desbuquois dysplasia 1. Last evaluated: 2022-10-03. Review status: criteria provided, single submitter. Criteria: Invitae Variant Classification Sherloc (09022015). Collection method: clinical testing. Allele origin: germline.
Comment: This sequence change replaces proline, which is neutral and non-polar, with leucine, which is neutral and non-polar, at codon 236 of the XYLT1 protein (p.Pro236Leu). This variant is present in population databases (rs140976278, gnomAD 0.1%). This variant has not been reported in the literature in individuals affected with XYLT1-related conditions. ClinVar contains an entry for this variant (Variation ID: 860231). Advanced modeling of protein sequence and biophysical properties (such as structural, functional, and spatial information, amino acid conservation, physicochemical variation, residue mobility, and thermodynamic stability) performed at Invitae indicates that this missense variant is not expected to disrupt XYLT1 protein function. In summary, the available evidence is currently insufficient to determine the role of this variant in disease. Therefore, it has been classified as a Variant of Uncertain Significance.

NM_022166.4(XYLT1):c.707C>T (p.Pro236Leu)

Gene: XYLT1 (xylosyltransferase 1; minus strand). Cytogenetic location: 16p12.3.
Variant type: single nucleotide variant.
Coding change: c.707C>T on transcript NM_022166.4 (MANE Select); coding-DNA position 707, C replaced by T.
Protein change: p.Pro236Leu; replaces proline 236 with leucine.
Molecular consequence: missense variant.
Genome position (GRCh38, 1-based): chr16:17,259,194, G>A on the plus strand (C>T on the coding strand, the complement: XYLT1 is on the minus strand). VCF-style: chr16-17259194-G-A. GRCh37 (hg19) VCF-style: chr16-17353051-G-A.
Other names: short protein forms P236L.
Identifiers: ClinVar variation 860231 (VCV000860231.6), dbSNP rs140976278, ClinGen allele CA7928129.
Genomic context (GRCh38, chr16:17,259,194, plus strand): 5'-TTAGGGGGCTGGTCATACTTGGTCTCGGGGGAGCTGCCCCCAGTTTTCCTGGCATGAGGC[G>A]GTCTGGACACATCCTTCCCGTGGCTGCTGTTGGCTGCGGCTCTGTCCCCGGGAGGCAGCA-3'
Protein context (NP_071449.1, residues 226-246): NSSHGKDVSR[Pro236Leu]PHARKTGGSS